The following is an entry in ClinVar:

ClinVar aggregate classification (germline): Uncertain significance. Review status: criteria provided, single submitter (1 of 4 stars). 2 submissions from 2 submitters: Uncertain significance (1). 1 of the submissions does not count toward it. Last evaluated 2024-05-21.

Conditions:
Primary dilated cardiomyopathy (DCM). Also called: Dilated Cardiomyopathy. Identifiers: Orphanet 217604, MedGen C0007193, MeSH D002311, MONDO:0005021, HP:0001644. Inheritance: Various modes of inheritance.
RASopathy. Also called: rasopathies; Noonan spectrum disorder. Identifiers: Orphanet 536391, MedGen C5555857, MONDO:0021060.

Allele frequency attached by ClinVar (database versions not stated): gnomAD exomes below 0.00001.
gnomAD v4.1: 2 of 1,613,530 alleles (0.00012%); highest among the groups gnomAD compares: Non-Finnish European, 0.00017%; no homozygotes.

Submissions (2):

Labcorp Genetics (formerly Invitae), Labcorp
Classification: Uncertain significance for RASopathy. Last evaluated: 2024-05-21. Review status: criteria provided, single submitter. Criteria: Invitae Variant Classification Sherloc (09022015). Collection method: clinical testing. Allele origin: germline.
Comment: This sequence change replaces arginine, which is basic and polar, with glycine, which is neutral and non-polar, at codon 744 of the SOS1 protein (p.Arg744Gly). This variant is not present in population databases (gnomAD no frequency). This variant has not been reported in the literature in individuals affected with SOS1-related conditions. ClinVar contains an entry for this variant (Variation ID: 1023675). Advanced modeling of protein sequence and biophysical properties (such as structural, functional, and spatial information, amino acid conservation, physicochemical variation, residue mobility, and thermodynamic stability) performed at Invitae indicates that this missense variant is not expected to disrupt SOS1 protein function with a negative predictive value of 95%. In summary, the available evidence is currently insufficient to determine the role of this variant in disease. Therefore, it has been classified as a Variant of Uncertain Significance.

University of Washington Center for Mendelian Genomics, University of Washington
Classification: Uncertain significance for dilated cardiomyopathy. Review status: no assertion criteria provided. Collection method: research. Allele origin: unknown. Affected: yes. Not counted in ClinVar's aggregate classification.

Literature cited by the submitters: PubMed 32603605 (cited by University of Washington Center for Mendelian Genomics, University of Washington).

NM_005633.4(SOS1):c.2230A>G (p.Arg744Gly)

Gene: SOS1 (SOS Ras/Rac guanine nucleotide exchange factor 1; minus strand). Cytogenetic location: 2p22.1.
Variant type: single nucleotide variant.
Coding change: c.2230A>G on transcript NM_005633.4 (MANE Select); coding-DNA position 2230, A replaced by G.
Protein change: p.Arg744Gly; replaces arginine 744 with glycine.
Molecular consequence: missense variant.
Genome position (GRCh38, 1-based): chr2:39,012,286, T>C on the plus strand (A>G on the coding strand, the complement: SOS1 is on the minus strand). VCF-style: chr2-39012286-T-C. GRCh37 (hg19) VCF-style: chr2-39239427-T-C.
Other names: c.2209A>G, p.Arg737Gly (NM_001382394.1); c.2230A>G, p.Arg744Gly (NM_001382395.1); short protein forms R737G, R744G.
Identifiers: ClinVar variation 1023675 (VCV001023675.10), dbSNP rs1669494952, ClinGen allele CA346364344.